The following is an entry in ClinVar:

NM_001401501.2(MUC16):c.39159T>A (p.Leu13053=)

Gene: MUC16 (mucin 16, cell surface associated; minus strand). Cytogenetic location: 19p13.2.
Variant type: single nucleotide variant.
Coding change: c.39159T>A on transcript NM_001401501.2 (MANE Select); coding-DNA position 39159, T replaced by A.
Protein change: p.Leu13053=; no amino-acid change (leucine 13053 retained).
Molecular consequence: synonymous variant.
Genome position (GRCh38, 1-based): chr19:8,900,012, A>T on the plus strand (T>A on the coding strand, the complement: MUC16 is on the minus strand). VCF-style: chr19-8900012-A-T. GRCh37 (hg19) VCF-style: chr19-9010688-A-T.
Other names: c.39585T>A, p.Leu13195= (NM_001414686.1); c.39039T>A, p.Leu13013= (NM_001414687.1); c.38973T>A, p.Leu12991= (NM_024690.2).
Identifiers: ClinVar variation 3056162 (VCV003056162.2), dbSNP rs1474663090, ClinGen allele CA505286250.

ClinVar aggregate classification (germline): Benign (0 of 4 stars; one submission).

Conditions:
MUC16-related disorder. Also called: MUC16-related condition.

Allele frequency attached by ClinVar (database versions not stated): 1000 Genomes Project 30x 0.03139.

Submission:

PreventionGenetics, part of Exact Sciences
Classification: Benign for MUC16-related condition. Last evaluated: 2019-02-19. Review status: no assertion criteria provided. Collection method: clinical testing. Allele origin: germline.
Comment: This variant is classified as benign based on ACMG/AMP sequence variant interpretation guidelines (Richards et al. 2015 PMID: 25741868, with internal and published modifications).